The following is an entry in ClinVar:

ClinVar aggregate classification (germline): Uncertain significance (1 of 4 stars; one submission).

gnomAD v4.1: 2 of 1,613,496 alleles (0.00012%); highest among the groups gnomAD compares: Non-Finnish European, 0.00017%; no homozygotes.

Submission:

Labcorp Genetics (formerly Invitae), Labcorp
Classification: Uncertain significance. Last evaluated: 2024-07-19. Review status: criteria provided, single submitter. Criteria: Invitae Variant Classification Sherloc (09022015). Collection method: clinical testing. Allele origin: germline.
Comment: This sequence change disrupts the translational stop signal of the GJB3 mRNA. It is expected to extend the length of the GJB3 protein by 30 additional amino acid residues. This variant is not present in population databases (gnomAD no frequency). This variant has not been reported in the literature in individuals affected with GJB3-related conditions. Experimental studies and prediction algorithms are not available or were not evaluated, and the functional significance of this variant is currently unknown. In summary, the available evidence is currently insufficient to determine the role of this variant in disease. Therefore, it has been classified as a Variant of Uncertain Significance.

NM_024009.3(GJB3):c.811T>C (p.Ter271Arg)

Gene: GJB3 (gap junction protein beta 3; plus strand). Cytogenetic location: 1p34.3.
Variant type: single nucleotide variant.
Coding change: c.811T>C on transcript NM_024009.3 (MANE Select); coding-DNA position 811, T replaced by C.
Protein change: p.Ter271Arg.
Molecular consequence: stop lost.
Genome position (GRCh38, 1-based): chr1:34,785,573, T>C. VCF-style: chr1-34785573-T-C. GRCh37 (hg19) VCF-style: chr1-35251174-T-C.
Other names: c.811T>C, p.Ter271Arg (NM_001005752.2).
Identifiers: ClinVar variation 3688398 (VCV003688398.2).